The following is an entry in ClinVar:

ClinVar aggregate classification (germline): Uncertain significance. Review status: criteria provided, multiple submitters, no conflicts (2 of 4 stars). 6 submissions from 6 submitters: Uncertain significance (5). 1 of the submissions does not count toward it. Last evaluated 2024-10-30.

Conditions:
Deficiency of acetyl-CoA acetyltransferase. Also called: MITOCHONDRIAL ACETOACETYL-CoA THIOLASE DEFICIENCY; Beta-ketothiolase deficiency; 3-KETOTHIOLASE DEFICIENCY; 3-OXOTHIOLASE DEFICIENCY. Identifiers: Orphanet 134, MedGen C1536500, MONDO:0008760, OMIM 203750. Disease mechanism: loss of function.
Inborn genetic diseases. Identifiers: MedGen C0950123, MeSH D030342.

Allele frequency attached by ClinVar (database versions not stated): gnomAD exomes 0.00017; TOPMed 0.00017; ExAC 0.00018; 1000 Genomes Project 0.00020; gnomAD 0.00021; ESP Exome Variant Server 0.00023; 1000 Genomes Project 30x 0.00031.
gnomAD v4.1: 250 of 1,611,364 alleles (0.016%); highest among the groups gnomAD compares: Middle Eastern, 0.13%; no homozygotes.

Submissions (6):

Labcorp Genetics (formerly Invitae), Labcorp
Classification: Uncertain significance for Deficiency of acetyl-CoA acetyltransferase. Last evaluated: 2024-10-30. Review status: criteria provided, single submitter. Criteria: Invitae Variant Classification Sherloc (09022015). Collection method: clinical testing. Allele origin: germline.
Comment: This sequence change replaces glutamine, which is neutral and polar, with histidine, which is basic and polar, at codon 272 of the ACAT1 protein (p.Gln272His). This variant is present in population databases (rs139120939, gnomAD 0.03%). This variant has not been reported in the literature in individuals affected with ACAT1-related conditions. ClinVar contains an entry for this variant (Variation ID: 964818). Invitae Evidence Modeling of protein sequence and biophysical properties (such as structural, functional, and spatial information, amino acid conservation, physicochemical variation, residue mobility, and thermodynamic stability) indicates that this missense variant is expected to disrupt ACAT1 protein function with a positive predictive value of 95%. In summary, the available evidence is currently insufficient to determine the role of this variant in disease. Therefore, it has been classified as a Variant of Uncertain Significance.

Blueprint Genetics
Classification: Uncertain significance. Last evaluated: 2023-11-16. Review status: criteria provided, single submitter. Criteria: ACMG Guidelines, 2015. Collection method: clinical testing. Allele origin: germline.

Mayo Clinic Laboratories, Mayo Clinic
Classification: Uncertain significance. Last evaluated: 2023-10-27. Review status: criteria provided, single submitter. Criteria: ACMG Guidelines, 2015. Collection method: clinical testing. Allele origin: germline. Observed: 1 variant allele.
Comment: PM2_moderate

Genome-Nilou Lab
Classification: Uncertain significance for Deficiency of acetyl-CoA acetyltransferase. Last evaluated: 2021-07-14. Review status: criteria provided, single submitter. Criteria: ACMG Guidelines, 2015. Collection method: clinical testing. Allele origin: germline. Affected: no.

Ambry Genetics
Classification: Uncertain significance for Inborn genetic diseases. Last evaluated: 2020-11-06. Review status: criteria provided, single submitter. Criteria: Ambry Variant Classification Scheme 2023. Collection method: clinical testing. Allele origin: germline.
Comment: The c.816G>T (p.Q272H) alteration is located in exon 8 (coding exon 8) of the ACAT1 gene. This alteration results from a G to T substitution at nucleotide position 816, causing the glutamine (Q) at amino acid position 272 to be replaced by a histidine (H). Based on data from the Genome Aggregation Database (gnomAD) database, the ACAT1 c.816G>T alteration was observed in 0.02% (46/281974) of total alleles studied, with a frequency of 0.04% (14/35388) in the Latino subpopulation. This amino acid position is well conserved in available vertebrate species. The p.Q272H alteration is predicted to be tolerated by in silico analysis. Based on insufficient or conflicting evidence, the clinical significance of this alteration remains unclear.

Natera, Inc.
Classification: Uncertain significance for Alpha-methylacetoacetic aciduria. Last evaluated: 2020-04-11. Review status: no assertion criteria provided. Collection method: clinical testing. Allele origin: germline. Not counted in ClinVar's aggregate classification.

NM_000019.4(ACAT1):c.816G>T (p.Gln272His)

Gene: ACAT1 (acetyl-CoA acetyltransferase 1; plus strand). Cytogenetic location: 11q22.3.
Variant type: single nucleotide variant.
Coding change: c.816G>T on transcript NM_000019.4 (MANE Select); coding-DNA position 816, G replaced by T.
Protein change: p.Gln272His; replaces glutamine 272 with histidine.
Molecular consequence: missense variant.
Genome position (GRCh38, 1-based): chr11:108,141,690, G>T. VCF-style: chr11-108141690-G-T. GRCh37 (hg19) VCF-style: chr11-108012417-G-T.
Other names: p.Gln272His; short protein forms Q272H.
Identifiers: ClinVar variation 964818 (VCV000964818.11), dbSNP rs139120939, ClinGen allele CA6263219.